The following is an entry in ClinVar:

NM_001297.5(CNGB1):c.728C>A (p.Thr243Asn)

Gene: CNGB1 (cyclic nucleotide gated channel subunit beta 1; minus strand). Cytogenetic location: 16q21.
Variant type: single nucleotide variant.
Coding change: c.728C>A on transcript NM_001297.5 (MANE Select); coding-DNA position 728, C replaced by A.
Protein change: p.Thr243Asn; replaces threonine 243 with asparagine.
Molecular consequence: missense variant.
Genome position (GRCh38, 1-based): chr16:57,959,921, G>T on the plus strand (C>A on the coding strand, the complement: CNGB1 is on the minus strand). VCF-style: chr16-57959921-G-T. GRCh37 (hg19) VCF-style: chr16-57993825-G-T.
Other names: c.728C>A, p.Thr243Asn (NM_001135639.2); c.710C>A, p.Thr237Asn (NM_001286130.2); short protein forms T237N, T243N.
Identifiers: ClinVar variation 1061542 (VCV001061542.7), dbSNP rs556998723, ClinGen allele CA8083710.

ClinVar aggregate classification (germline): Uncertain significance. Review status: criteria provided, multiple submitters, no conflicts (2 of 4 stars). 2 submissions from 2 submitters: Uncertain significance (2). Last evaluated 2022-10-17.

Allele frequency attached by ClinVar (database versions not stated): gnomAD 0.00003 and 0.00004; TOPMed 0.00003; gnomAD exomes 0.00006; ExAC 0.00018.
gnomAD v4.1: 83 of 1,575,396 alleles (0.0053%); highest among the groups gnomAD compares: Non-Finnish European, 0.0062%; no homozygotes.

Submissions (2):

Labcorp Genetics (formerly Invitae), Labcorp
Classification: Uncertain significance. Last evaluated: 2022-10-17. Review status: criteria provided, single submitter. Criteria: Invitae Variant Classification Sherloc (09022015). Collection method: clinical testing. Allele origin: germline.
Comment: This sequence change replaces threonine, which is neutral and polar, with asparagine, which is neutral and polar, at codon 243 of the CNGB1 protein (p.Thr243Asn). This variant is present in population databases (rs556998723, gnomAD 0.01%). This variant has not been reported in the literature in individuals affected with CNGB1-related conditions. ClinVar contains an entry for this variant (Variation ID: 1061542). Advanced modeling of protein sequence and biophysical properties (such as structural, functional, and spatial information, amino acid conservation, physicochemical variation, residue mobility, and thermodynamic stability) performed at Invitae indicates that this missense variant is not expected to disrupt CNGB1 protein function. In summary, the available evidence is currently insufficient to determine the role of this variant in disease. Therefore, it has been classified as a Variant of Uncertain Significance.

Blueprint Genetics
Classification: Uncertain significance. Last evaluated: 2021-09-26. Review status: criteria provided, single submitter. Criteria: ACMG Guidelines, 2015. Collection method: clinical testing. Allele origin: germline.